The following is an entry in ClinVar:

ClinVar aggregate classification (germline): Uncertain significance (1 of 4 stars; one submission).

gnomAD v4.1: 6 of 1,613,786 alleles (0.00037%); highest among the groups gnomAD compares: Admixed American, 0.0083%; no homozygotes.

Submission:

Labcorp Genetics (formerly Invitae), Labcorp
Classification: Uncertain significance. Last evaluated: 2023-08-17. Review status: criteria provided, single submitter. Criteria: Invitae Variant Classification Sherloc (09022015). Collection method: clinical testing. Allele origin: germline.
Comment: This variant has not been reported in the literature in individuals affected with COL9A1-related conditions. This variant is present in population databases (no rsID available, gnomAD 0.01%). ClinVar contains an entry for this variant (Variation ID: 1907650). In summary, the available evidence is currently insufficient to determine the role of this variant in disease. Therefore, it has been classified as a Variant of Uncertain Significance. An algorithm developed to predict the effect of missense changes on protein structure and function (PolyPhen-2) suggests that this variant¬†is likely to be tolerated. This sequence change replaces valine, which is neutral and non-polar, with leucine, which is neutral and non-polar, at codon 381 of the COL9A1 protein (p.Val381Leu).

NM_001851.6(COL9A1):c.1141G>C (p.Val381Leu)

Gene: COL9A1 (collagen type IX alpha 1 chain; minus strand). Cytogenetic location: 6q13.
Variant type: single nucleotide variant.
Coding change: c.1141G>C on transcript NM_001851.6 (MANE Select); coding-DNA position 1141, G replaced by C.
Protein change: p.Val381Leu; replaces valine 381 with leucine.
Molecular consequence: missense variant. On other transcripts: non-coding transcript variant (1).
Genome position (GRCh38, 1-based): chr6:70,271,657, C>G on the plus strand (G>C on the coding strand, the complement: COL9A1 is on the minus strand). VCF-style: chr6-70271657-C-G. GRCh37 (hg19) VCF-style: chr6-70981360-C-G.
Other names: c.412G>C, p.Val138Leu (NM_001377289.1, NM_001377290.1, NM_078485.4); short protein forms V381L, V138L.
Identifiers: ClinVar variation 1907650 (VCV001907650.4), dbSNP rs1245320559, ClinGen allele CA364682117.